The following is an entry in ClinVar:

NM_006182.4(DDR2):c.1529T>C (p.Val510Ala)

Gene: DDR2 (discoidin domain receptor tyrosine kinase 2; plus strand). Cytogenetic location: 1q23.3.
Variant type: single nucleotide variant.
Coding change: c.1529T>C on transcript NM_006182.4 (MANE Select); coding-DNA position 1529, T replaced by C.
Protein change: p.Val510Ala; replaces valine 510 with alanine.
Molecular consequence: missense variant.
Genome position (GRCh38, 1-based): chr1:162,772,048, T>C. VCF-style: chr1-162772048-T-C. GRCh37 (hg19) VCF-style: chr1-162741838-T-C.
Other names: c.1529T>C, p.Val510Ala (NM_001014796.3, NM_001354982.2, NM_001354983.2); short protein forms V510A.
Identifiers: ClinVar variation 2906840 (VCV002906840.2), dbSNP rs201904366, ClinGen allele CA1217587.
Genomic context (GRCh38, chr1:162,772,048, plus strand): 5'-CCACGGAATGAGGGCTCGTTGCCCTTGTCTTCCCAGGCTGCAGCGGTGTTGTGAAGCCAG[T>C]CCAGCCCAGTGGCCCTGAGGGGGTGCCCCACTATGCAGAGGCTGACATAGTGAACCTCCA-3'
Protein context (NP_006173.2, residues 500-520): ESGCSGVVKP[Val510Ala]QPSGPEGVPH

ClinVar aggregate classification (germline): Uncertain significance (1 of 4 stars; one submission).

Allele frequency attached by ClinVar (database versions not stated): gnomAD 0.00007; 1000 Genomes Project 30x 0.00016; 1000 Genomes Project 0.00020; ExAC 0.00002; gnomAD exomes 0.00009; TOPMed 0.00009.
gnomAD v4.1: 150 of 1,611,318 alleles (0.0093%); highest among the groups gnomAD compares: Non-Finnish European, 0.012%; no homozygotes.

Submission:

Labcorp Genetics (formerly Invitae), Labcorp
Classification: Uncertain significance. Last evaluated: 2025-03-04. Review status: criteria provided, single submitter. Criteria: Invitae Variant Classification Sherloc (09022015). Collection method: clinical testing. Allele origin: germline.
Comment: This sequence change replaces valine, which is neutral and non-polar, with alanine, which is neutral and non-polar, at codon 510 of the DDR2 protein (p.Val510Ala). This variant is present in population databases (rs201904366, gnomAD 0.006%). This variant has not been reported in the literature in individuals affected with DDR2-related conditions. ClinVar contains an entry for this variant (Variation ID: 2906840). An algorithm developed to predict the effect of missense changes on protein structure and function outputs the following: PolyPhen-2: "Benign". The alanine amino acid residue is found in multiple mammalian species, which suggests that this missense change does not adversely affect protein function. In summary, the available evidence is currently insufficient to determine the role of this variant in disease. Therefore, it has been classified as a Variant of Uncertain Significance.